The following is an entry in ClinVar:

NM_175914.5(HNF4A):c.50-4682C>T

Gene: HNF4A (hepatocyte nuclear factor 4 alpha; plus strand). Cytogenetic location: 20q13.12.
Variant type: single nucleotide variant.
Coding change: c.50-4682C>T on transcript NM_175914.5 (MANE Select); 4682 bases into the intron before coding-DNA position 50, C replaced by T.
Molecular consequence: intron variant. On other transcripts: nonsense (3), 5 prime UTR variant (1).
Genome position (GRCh38, 1-based): chr20:44,401,376, C>T. VCF-style: chr20-44401376-C-T. GRCh37 (hg19) VCF-style: chr20-43030016-C-T.
Other names: c.4C>T, p.Arg2Ter (NM_000457.6, NM_178849.3, NM_178850.3); c.-109C>T (NM_001258355.2); c.41-4682C>T (NM_001287182.2, NM_001287183.2, NM_001287184.2); c.50-4682C>T (NM_001030003.3, NM_001030004.3); short protein forms R2*.
Identifiers: ClinVar variation 1710036 (VCV001710036.2), dbSNP rs755329974, ClinGen allele CA9870061.
Genomic context (GRCh38, chr20:44,401,376, plus strand): 5'-GCCTTCGGGGTGGGCGCCCAGGGTAGGGCAGGTGGCCGCGGCGTGGAGGCAGGGAGAATG[C>T]GACTCTCCAAAACCCTCGTCGACATGGACATGGCCGACTACAGTGCTGCACTGGACCCAG-3'

ClinVar aggregate classification (germline): Uncertain significance (1 of 4 stars; one submission).

Conditions:
Maturity-onset diabetes of the young type 1. Also called: MODY, type I; MODY type 1; Diabetes mellitus MODY type 1; MODY HNF4A related; HNF4A-Related Maturity-Onset Diabetes of the Young Type 1; MILD JUVENILE DIABETES MELLITUS. Identifiers: Orphanet 552, MedGen C1852093, MONDO:0007452, OMIM 125850. Disease mechanism: loss of function.

Allele frequency attached by ClinVar (database versions not stated): ExAC 0.00002.
gnomAD v4.1: 6 of 1,613,950 alleles (0.00037%); highest among the groups gnomAD compares: African/African-American, 0.0013%; no homozygotes.

Submission:

MGZ Medical Genetics Center
Classification: Uncertain significance for Maturity-onset diabetes of the young type 1. Last evaluated: 2021-11-26. Review status: criteria provided, single submitter. Criteria: ACMG Guidelines, 2015. Collection method: clinical testing. Allele origin: germline. Affected: yes. Observed: 1 variant allele.
Comment: ACMG criteria applied: PVS1_STR, PM2_SUP